The following is an entry in ClinVar:

NM_000021.4(PSEN1):c.*1381G>A

Gene: PSEN1 (presenilin 1; plus strand). Cytogenetic location: 14q24.2.
Variant type: single nucleotide variant.
Coding change: c.*1381G>A on transcript NM_000021.4 (MANE Select); 1381 bases downstream of the stop codon, G replaced by A.
Molecular consequence: 3 prime UTR variant.
Genome position (GRCh38, 1-based): chr14:73,220,670, G>A. VCF-style: chr14-73220670-G-A. GRCh37 (hg19) VCF-style: chr14-73687378-G-A.
Other names: c.*1381G>A (NM_007318.3).
Identifiers: ClinVar variation 313965 (VCV000313965.29), dbSNP rs362387, ClinGen allele CA10635162.

ClinVar aggregate classification (germline): Conflicting classifications of pathogenicity. Review status: criteria provided, conflicting classifications (1 of 4 stars). 3 submissions from 2 submitters: Uncertain significance (1); Benign (1); Likely benign (1). Last evaluated 2023-06-01.

Conditions:
Alzheimer disease 3 (AD3). Also called: ALZHEIMER DISEASE, FAMILIAL, 3. Identifiers: Orphanet 1020, MedGen C1843013, MONDO:0011913, OMIM 607822.
Dilated cardiomyopathy 1U. Identifiers: Orphanet 154, MedGen C3160720, MONDO:0013371, OMIM 613694.

Allele frequency attached by ClinVar (database versions not stated): 1000 Genomes Project 30x 0.00344; 1000 Genomes Project 0.00359; TOPMed 0.00681; gnomAD 0.00765.

Submissions (3):

CeGaT Center for Human Genetics Tuebingen
Classification: Benign. Last evaluated: 2023-06-01. Review status: criteria provided, single submitter. Criteria: CeGaT Center For Human Genetics Tuebingen Variant Classification Criteria Version 2. Collection method: clinical testing. Allele origin: germline. Affected: yes. Observed: 3 variant alleles.
Comment: PSEN1: BS1, BS2

Illumina Laboratory Services, Illumina
Classification: Likely benign for Alzheimer disease 3. Last evaluated: 2018-01-13. Review status: criteria provided, single submitter. Criteria: ICSL Variant Classification Criteria 13 December 2019. Collection method: clinical testing. Allele origin: germline.
Comment: This variant was observed in the ICSL laboratory as part of a predisposition screen in an ostensibly healthy population. It had not been previously curated by ICSL or reported in the Human Gene Mutation Database (HGMD: prior to June 1st, 2018), and was therefore a candidate for classification through an automated scoring system. Utilizing variant allele frequency, disease prevalence and penetrance estimates, and inheritance mode, an automated score was calculated to assess if this variant is too frequent to cause the disease. Based on the score and internal cut-off values, a variant classified as likely benign is not then subjected to further curation. The score for this variant resulted in a classification of likely benign for this disease.

Illumina Laboratory Services, Illumina
Classification: Uncertain significance for Dilated cardiomyopathy 1U. Last evaluated: 2018-01-13. Review status: criteria provided, single submitter. Criteria: ICSL Variant Classification Criteria 13 December 2019. Collection method: clinical testing. Allele origin: germline.